The following is an entry in ClinVar:

ClinVar aggregate classification (germline): Uncertain significance (1 of 4 stars; one submission).

Conditions:
Hereditary cancer-predisposing syndrome. Also called: Tumor predisposition; Hereditary Cancer Syndrome; Hereditary neoplastic syndrome; Neoplastic Syndromes, Hereditary. Identifiers: Orphanet 140162, MedGen C0027672, MeSH D009386, MONDO:0015356.

Submission:

Ambry Genetics
Classification: Uncertain significance for Hereditary cancer-predisposing syndrome. Last evaluated: 2024-05-19. Review status: criteria provided, single submitter. Criteria: Ambry Variant Classification Scheme 2023. Collection method: clinical testing. Allele origin: germline.
Comment: The p.E732G variant (also known as c.2195A>G), located in coding exon 8 of the MET gene, results from an A to G substitution at nucleotide position 2195. The glutamic acid at codon 732 is replaced by glycine, an amino acid with similar properties. This amino acid position is conserved. In addition, this alteration is predicted to be tolerated by in silico analysis. Based on the available evidence, the clinical significance of this variant remains unclear.

NM_000245.4(MET):c.2195A>G (p.Glu732Gly)

Gene: MET (MET proto-oncogene, receptor tyrosine kinase; plus strand). Cytogenetic location: 7q31.2.
Variant type: single nucleotide variant.
Coding change: c.2195A>G on transcript NM_000245.4 (MANE Select); coding-DNA position 2195, A replaced by G.
Protein change: p.Glu732Gly; replaces glutamic acid 732 with glycine.
Molecular consequence: missense variant.
Genome position (GRCh38, 1-based): chr7:116,758,551, A>G. VCF-style: chr7-116758551-A-G. GRCh37 (hg19) VCF-style: chr7-116398605-A-G.
Other names: c.2195A>G, p.Glu732Gly (NM_001127500.3, NM_001324401.3); c.905A>G, p.Glu302Gly (NM_001324402.2); short protein forms E302G, E732G.
Identifiers: ClinVar variation 3294363 (VCV003294363.1).
Genomic context (GRCh38, chr7:116,758,551, plus strand): 5'-CAGCCCAAACCATTTCAACTGAGTTTGCTGTTAAATTGAAAATTGACTTAGCCAACCGAG[A>G]GACAAGCATCTTCAGTTACCGTGAAGATCCCATTGTCTATGAAATTCATCCAACCAAATC-3'
Protein context (NP_000236.2, residues 722-742): VKLKIDLANR[Glu732Gly]TSIFSYREDP